The following is an entry in ClinVar:

NM_032043.3(BRIP1):c.2379+3A>T

Gene: BRIP1 (BRCA1 interacting DNA helicase 1; minus strand). Cytogenetic location: 17q23.2.
Variant type: single nucleotide variant.
Coding change: c.2379+3A>T on transcript NM_032043.3 (MANE Select); 3 bases into the intron after coding-DNA position 2379, A replaced by T.
Molecular consequence: intron variant.
Genome position (GRCh38, 1-based): chr17:61,743,010, T>A on the plus strand (A>T on the coding strand, the complement: BRIP1 is on the minus strand). VCF-style: chr17-61743010-T-A. GRCh37 (hg19) VCF-style: chr17-59820371-T-A.
Identifiers: ClinVar variation 4216241 (VCV004216241.1).
Genomic context (GRCh38, chr17:61,743,010, plus strand): 5'-AATTAACTTTATACAAAACCAATGACTCCTGTAATAATAAAACTTAAGGTTTTGATGGCC[T>A]ACCTGTAGATCTTTCACATTTGGAAAAGGAATTCCTATTGTTATGACAGCACGGGCATTG-3'

ClinVar aggregate classification (germline): Uncertain significance (1 of 4 stars; one submission).

Conditions:
Hereditary cancer-predisposing syndrome. Also called: Hereditary Cancer Syndrome; Hereditary neoplastic syndrome; Neoplastic Syndromes, Hereditary; Tumor predisposition. Identifiers: Orphanet 140162, MedGen C0027672, MeSH D009386, MONDO:0015356.

Submission:

Ambry Genetics
Classification: Uncertain significance for Hereditary cancer-predisposing syndrome. Last evaluated: 2025-06-24. Review status: criteria provided, single submitter. Criteria: Ambry Variant Classification Scheme 2023. Collection method: clinical testing. Allele origin: germline.
Comment: The c.2379+3A>T intronic variant results from an A to T substitution 3 nucleotides after coding exon 15 in the BRIP1 gene. This nucleotide position is highly conserved in available vertebrate species. In silico splice site analysis predicts that this alteration will weaken the native splice donor site; however, direct evidence is insufficient at this time (Ambry internal data). Based on the available evidence, the clinical significance of this variant remains unclear.